The following is an entry in ClinVar:

ClinVar aggregate classification (germline): Conflicting classifications of pathogenicity. Review status: criteria provided, conflicting classifications (1 of 4 stars). 2 submissions from 2 submitters: Likely pathogenic (1); Uncertain significance (1). Last evaluated 2025-01-27.

Conditions:
RS1-related disorder. Also called: RS1-related condition.

Submissions (2):

Labcorp Genetics (formerly Invitae), Labcorp
Classification: Uncertain significance. Last evaluated: 2025-01-27. Review status: criteria provided, single submitter. Criteria: Invitae Variant Classification Sherloc (09022015). Collection method: clinical testing. Allele origin: germline.
Comment: This variant, c.282_284del, results in the deletion of 1 amino acid(s) of the RS1 protein (p.Ser95del), but otherwise preserves the integrity of the reading frame. This variant is not present in population databases (gnomAD no frequency). This variant has been observed in individuals with clinical features of retinoschisis (PMID: 28272453; internal data). Experimental studies and prediction algorithms are not available or were not evaluated, and the functional significance of this variant is currently unknown. In summary, the available evidence is currently insufficient to determine the role of this variant in disease. Therefore, it has been classified as a Variant of Uncertain Significance.

Blueprint Genetics
Classification: Likely pathogenic for RS1-related disorders. Last evaluated: 2022-10-28. Review status: criteria provided, single submitter. Criteria: ACMG Guidelines, 2015. Collection method: clinical testing. Allele origin: germline. Affected: yes. Observed: 1 variant allele.

Literature cited by the submitters: PubMed 28272453 (cited by Labcorp Genetics (formerly Invitae), Labcorp).

NM_000330.4(RS1):c.279TTC[1] (p.Ser95del)

Genes: CDKL5 (cyclin dependent kinase like 5; plus strand), RS1 (retinoschisin 1; minus strand). Cytogenetic location: Xp22.13.
Variant type: Microsatellite.
Coding change: c.279TTC[1] on transcript NM_000330.4 (MANE Select); one copy of the 3-base unit TTC starting at c.279; the reference has two copies in a row; one copy, 3 bases deleted.
Protein change: p.Ser95del; deletes serine 95.
Molecular consequence: inframe deletion. On other transcripts: intron variant (2).
Genome position (GRCh38, 1-based): chrX:18,647,233-18,647,235, GAA deleted on the plus strand (TTC on the coding strand, the reverse complement: RS1 is on the minus strand); deleting any 3 consecutive bases within chrX:18,647,233-18,647,238 gives the same sequence; the position shown is the placement nearest the transcript's 3' end. VCF-style (leftmost placement, unchanged base first): chrX-18647232-CGAA-C. GRCh37 (hg19) VCF-style: chrX-18665352-CGAA-C.
Other names: c.2797+1146_2797+1148del (NM_003159.3, NM_001037343.2); short protein forms S95del.
Identifiers: ClinVar variation 2053271 (VCV002053271.4), dbSNP rs2518924233, ClinGen allele CA2580615398.